The following is an entry in ClinVar:

ClinVar aggregate classification (germline): Uncertain significance (1 of 4 stars; one submission).

Submission:

Labcorp Genetics (formerly Invitae), Labcorp
Classification: Uncertain significance. Last evaluated: 2025-07-14. Review status: criteria provided, single submitter. Criteria: Invitae Variant Classification Sherloc (09022015). Collection method: clinical testing. Allele origin: germline.
Comment: This sequence change replaces proline, which is neutral and non-polar, with alanine, which is neutral and non-polar, at codon 739 of the SAMD9 protein (p.Pro739Ala). This variant is not present in population databases (gnomAD no frequency). This variant has not been reported in the literature in individuals affected with SAMD9-related conditions. Invitae Evidence Modeling of protein sequence and biophysical properties (such as structural, functional, and spatial information, amino acid conservation, physicochemical variation, residue mobility, and thermodynamic stability) has been performed for this missense variant. However, the output from this modeling did not meet the statistical confidence thresholds required to predict the impact of this variant on SAMD9 protein function. In summary, the available evidence is currently insufficient to determine the role of this variant in disease. Therefore, it has been classified as a Variant of Uncertain Significance.

NM_017654.4(SAMD9):c.2215C>G (p.Pro739Ala)

Gene: SAMD9 (sterile alpha motif domain containing 9; minus strand). Cytogenetic location: 7q21.2.
Variant type: single nucleotide variant.
Coding change: c.2215C>G on transcript NM_017654.4 (MANE Select); coding-DNA position 2215, C replaced by G.
Protein change: p.Pro739Ala; replaces proline 739 with alanine.
Molecular consequence: missense variant.
Genome position (GRCh38, 1-based): chr7:93,103,883, G>C on the plus strand (C>G on the coding strand, the complement: SAMD9 is on the minus strand). VCF-style: chr7-93103883-G-C. GRCh37 (hg19) VCF-style: chr7-92733196-G-C.
Other names: c.2215C>G, p.Pro739Ala (NM_001193307.2); short protein forms P739A.
Identifiers: ClinVar variation 4694881 (VCV004694881.1).
Genomic context (GRCh38, chr7:93,103,883, plus strand): 5'-TGAATTTCTTCCTTAGTTCCCAGAGAATGTGCATAGCCAAGGTAGTTCCCCCACAGCCTG[G>C]ATGATGATACAGATGAATAATTTTGGTACTTGTTGGTTTAGAAGAATCTGCACAGTTTTG-3'
Protein context (NP_060124.2, residues 729-749): STKIIHLYHH[Pro739Ala]GCGGTTLAMH